The following is an entry in ClinVar:

ClinVar aggregate classification (germline): Pathogenic (1 of 4 stars; one submission).

Conditions:
Insulin-dependent diabetes mellitus secretory diarrhea syndrome (IPEX). Also called: IMMUNODEFICIENCY, POLYENDOCRINOPATHY, AND ENTEROPATHY, X-LINKED; Immunodysregulation, polyendocrinopathy, and enteropathy, X-linked; Immunodeficiency, Polyendocrinopathy, and Enteropathy X-Linked Syndrome; X-Linked Syndrome of Polyendocrinopathy, Immune Dysfunction, and Diarrhea; DIABETES MELLITUS, CONGENITAL INSULIN-DEPENDENT, WITH FATAL SECRETORY DIARRHEA; DIARRHEA, POLYENDOCRINOPATHY, FATAL INFECTION SYNDROME, X-LINKED. Identifiers: Orphanet 37042, MedGen C0342288, MONDO:0010580, OMIM 304790. Disease mechanism: loss of function.

Submission:

Labcorp Genetics (formerly Invitae), Labcorp
Classification: Pathogenic for Insulin-dependent diabetes mellitus secretory diarrhea syndrome. Last evaluated: 2024-08-18. Review status: criteria provided, single submitter. Criteria: Invitae Variant Classification Sherloc (09022015). Collection method: clinical testing. Allele origin: germline.
Comment: This sequence change creates a premature translational stop signal (p.Asp303Thrfs*87) in the FOXP3 gene. While this is not anticipated to result in nonsense mediated decay, it is expected to disrupt the last 129 amino acid(s) of the FOXP3 protein. This variant is not present in population databases (gnomAD no frequency). This premature translational stop signal has been observed in individual(s) with IPEX syndrome (PMID: 28833278). This variant disrupts a region of the FOXP3 protein in which other variant(s) (p.Val408Met) have been determined to be pathogenic (PMID: 18931102, 30443250, 30894704, 32279225, 33833438, 34216291). This suggests that this is a clinically significant region of the protein, and that variants that disrupt it are likely to be disease-causing. For these reasons, this variant has been classified as Pathogenic.

Literature cited by the submitters: PubMed 28833278; PubMed 18931102; PubMed 30443250; PubMed 30894704; PubMed 32279225; PubMed 33833438; PubMed 34216291.

NM_014009.4(FOXP3):c.906del (p.Asp303fs)

Gene: FOXP3 (forkhead box P3; minus strand). Cytogenetic location: Xp11.23.
Variant type: Deletion.
Coding change: c.906del on transcript NM_014009.4 (MANE Select); coding-DNA position 906, one base deleted (T; older notation c.906delT).
Protein change: p.Asp303fs; shifts the reading frame from aspartic acid 303.
Molecular consequence: frameshift variant.
Genome position (GRCh38, 1-based): chrX:49,253,978, A deleted on the plus strand (T on the coding strand, the reverse complement: FOXP3 is on the minus strand). VCF-style (leftmost placement, unchanged base first): chrX-49253977-CA-C. GRCh37 (hg19) VCF-style: chrX-49110438-CA-C.
Other names: c.801del, p.Asp268fs (NM_001114377.2); short protein forms D303fs, D268fs.
Identifiers: ClinVar variation 3724235 (VCV003724235.2).